The following is an entry in ClinVar:

NM_000321.3(RB1):c.94G>C (p.Asp32His)

Gene: RB1 (RB transcriptional corepressor 1; plus strand). Cytogenetic location: 13q14.2.
Variant type: single nucleotide variant.
Coding change: c.94G>C on transcript NM_000321.3 (MANE Select); coding-DNA position 94, G replaced by C.
Protein change: p.Asp32His; replaces aspartic acid 32 with histidine.
Molecular consequence: missense variant.
Genome position (GRCh38, 1-based): chr13:48,304,006, G>C. VCF-style: chr13-48304006-G-C. GRCh37 (hg19) VCF-style: chr13-48878142-G-C.
Other names: c.94G>C (NM_000321.2); short protein forms D32H.
Identifiers: ClinVar variation 1043395 (VCV001043395.11), dbSNP rs1593412219, ClinGen allele CA388250311.
Genomic context (GRCh38, chr13:48,304,006, plus strand): 5'-ACCGCCGCCGCTGCCGCCGCGGAACCCCCGGCACCGCCGCCGCCGCCCCCTCCTGAGGAG[G>C]ACCCAGAGCAGGACAGCGGCCCGGAGGACCTGCCTCTCGTCAGGTGAGCGAGCAGAGCCG-3'
Protein context (NP_000312.2, residues 22-42): APPPPPPPEE[Asp32His]PEQDSGPEDL

ClinVar aggregate classification (germline): Uncertain significance. Review status: criteria provided, multiple submitters, no conflicts (2 of 4 stars). 3 submissions from 3 submitters: Uncertain significance (3). Last evaluated 2025-12-17.

Conditions:
Malignant tumor of urinary bladder. Also called: Urinary Bladder Neoplasms; Bladder cancer; Urinary bladder cancer. Identifiers: MedGen C0005684, MONDO:0001187, OMIM 109800.
Hereditary cancer-predisposing syndrome. Also called: Hereditary Cancer Syndrome; Neoplastic Syndromes, Hereditary; Tumor predisposition; Hereditary neoplastic syndrome. Identifiers: Orphanet 140162, MedGen C0027672, MeSH D009386, MONDO:0015356.
Retinoblastoma (RB1). Also called: RETINOBLASTOMA, SOMATIC. Identifiers: Orphanet 790, MedGen C0035335, MeSH D012175, MONDO:0008380, OMIM 180200, HP:0009919. Disease mechanism: loss of function. Inheritance: Both sporadic and heritable forms are tested..

Submissions (3):

Ambry Genetics
Classification: Uncertain significance for Hereditary cancer-predisposing syndrome. Last evaluated: 2025-12-17. Review status: criteria provided, single submitter. Criteria: Ambry Variant Classification Scheme 2023. Collection method: clinical testing. Allele origin: germline.
Comment: The p.D32H variant (also known as c.94G>C), located in coding exon 1 of the RB1 gene, results from a G to C substitution at nucleotide position 94. The aspartic acid at codon 32 is replaced by histidine, an amino acid with similar properties. This amino acid position is conserved. In addition, the in silico prediction for this alteration is inconclusive. Based on the available evidence, the clinical significance of this variant remains unclear.

Baylor Genetics
Classification: Uncertain significance for Malignant tumor of urinary bladder. Last evaluated: 2024-01-23. Review status: criteria provided, single submitter. Criteria: ACMG Guidelines, 2015. Collection method: clinical testing. Allele origin: unknown.

Labcorp Genetics (formerly Invitae), Labcorp
Classification: Uncertain significance for Retinoblastoma. Last evaluated: 2020-02-04. Review status: criteria provided, single submitter. Criteria: Invitae Variant Classification Sherloc (09022015). Collection method: clinical testing. Allele origin: germline.
Comment: In summary, the available evidence is currently insufficient to determine the role of this variant in disease. Therefore, it has been classified as a Variant of Uncertain Significance. Algorithms developed to predict the effect of missense changes on protein structure and function are either unavailable or do not agree on the potential impact of this missense change (SIFT: "Tolerated"; PolyPhen-2: "Possibly Damaging"; Align-GVGD: "Class C0"). This variant has not been reported in the literature in individuals with RB1-related conditions. The frequency data for this variant in the population databases is considered unreliable, as metrics indicate insufficient coverage at this position in the ExAC database. This sequence change replaces aspartic acid with histidine at codon 32 of the RB1 protein (p.Asp32His). The aspartic acid residue is moderately conserved and there is a moderate physicochemical difference between aspartic acid and histidine.